The following is an entry in ClinVar:

ClinVar aggregate classification (germline): Likely benign. Review status: criteria provided, multiple submitters, no conflicts (2 of 4 stars). 2 submissions from 2 submitters: Likely benign (2). Last evaluated 2026-09-01.

Conditions:
Limb-girdle muscular dystrophy due to POMK deficiency. Also called: MUSCULAR DYSTROPHY-DYSTROGLYCANOPATHY, LIMB-GIRDLE, POMK-RELATED; Muscular dystrophy-dystroglycanopathy (limb-girdle), type c, 12. Identifiers: Orphanet 445110, MedGen C4015184, MONDO:0014489, OMIM 616094.
Muscular dystrophy-dystroglycanopathy (congenital with brain and eye anomalies), type a, 12 (MDDGA12). Also called: WALKER-WARBURG SYNDROME OR MUSCLE-EYE-BRAIN DISEASE, POMK-RELATED. Identifiers: Orphanet 899, MedGen C3808964, MONDO:0014101, OMIM 615249.

Allele frequency attached by ClinVar (database versions not stated): TOPMed 0.00006; ESP Exome Variant Server 0.00008; gnomAD exomes 0.00008; ExAC 0.00009; 1000 Genomes Project 0.00040; 1000 Genomes Project 30x 0.00047.
gnomAD v4.1: 96 of 1,614,190 alleles (0.0059%); highest among the groups gnomAD compares: South Asian, 0.042%; no homozygotes.

Submissions (2):

CeGaT Center for Human Genetics Tuebingen
Classification: Likely benign. Last evaluated: 2026-09-01. Review status: criteria provided, single submitter. Criteria: CeGaT Center For Human Genetics Tuebingen Variant Classification Criteria Version 2. Collection method: clinical testing. Allele origin: germline. Affected: yes. Observed: 1 variant allele.
Comment: POMK: BP4, BP7

Labcorp Genetics (formerly Invitae), Labcorp
Classification: Likely benign for Muscular dystrophy-dystroglycanopathy (congenital with brain and eye anomalies), type a, 12; Limb-girdle muscular dystrophy due to POMK deficiency. Last evaluated: 2026-01-12. Review status: criteria provided, single submitter. Criteria: Invitae Variant Classification Sherloc (09022015). Collection method: clinical testing. Allele origin: germline.

NM_032237.5(POMK):c.222C>T (p.Cys74=)

Gene: POMK (protein O-mannose kinase; plus strand). Cytogenetic location: 8p11.21.
Variant type: single nucleotide variant.
Coding change: c.222C>T on transcript NM_032237.5 (MANE Select); coding-DNA position 222, C replaced by T.
Protein change: p.Cys74=; no amino-acid change (cysteine 74 retained).
Molecular consequence: synonymous variant.
Genome position (GRCh38, 1-based): chr8:43,103,770, C>T. VCF-style: chr8-43103770-C-T. GRCh37 (hg19) VCF-style: chr8-42958913-C-T.
Other names: c.222C>T, p.Cys74= (NM_001277971.2).
Identifiers: ClinVar variation 735218 (VCV000735218.10), dbSNP rs147680806, ClinGen allele CA4736221.